The following is an entry in ClinVar:

NM_198428.3(BBS9):c.271G>A (p.Glu91Lys)

Gene: BBS9 (Bardet-Biedl syndrome 9; plus strand). Cytogenetic location: 7p14.3.
Variant type: single nucleotide variant.
Coding change: c.271G>A on transcript NM_198428.3 (MANE Select); coding-DNA position 271, G replaced by A.
Protein change: p.Glu91Lys; replaces glutamic acid 91 with lysine.
Molecular consequence: missense variant. On other transcripts: 5 prime UTR variant (2), non-coding transcript variant (3), intron variant (4).
Genome position (GRCh38, 1-based): chr7:33,155,645, G>A. VCF-style: chr7-33155645-G-A. GRCh37 (hg19) VCF-style: chr7-33195257-G-A.
Other names: c.271G>A, p.Glu91Lys (NM_001033604.2, NM_001033605.2, NM_001348036.1 and 5 more transcripts); c.-3G>A (NM_001348038.3, NM_001348039.3); c.136G>A, p.Glu46Lys (NM_001348042.3); c.-39+2794G>A (NM_001348037.3, NM_001348045.3); c.-38-21833G>A (NM_001348046.3, NM_001348044.3); short protein forms E46K, E91K.
Identifiers: ClinVar variation 3351300 (VCV003351300.2).

ClinVar aggregate classification (germline): Uncertain significance. Review status: criteria provided, single submitter (1 of 4 stars). 2 submissions from 2 submitters: Uncertain significance (1). 1 of the submissions does not count toward it. Last evaluated 2022-03-10.

Conditions:
BBS9-related disorder. Also called: BBS9-related condition.

gnomAD v4.1: 26 of 1,591,722 alleles (0.0016%); highest among the groups gnomAD compares: South Asian, 0.0055%; no homozygotes.

Submissions (2):

Blueprint Genetics
Classification: Uncertain significance. Last evaluated: 2022-03-10. Review status: criteria provided, single submitter. Criteria: ACMG Guidelines, 2015. Collection method: clinical testing. Allele origin: germline.

PreventionGenetics, part of Exact Sciences
Classification: Uncertain significance for BBS9-related condition. Last evaluated: 2024-05-22. Review status: no assertion criteria provided. Collection method: clinical testing. Allele origin: germline. Not counted in ClinVar's aggregate classification.
Comment: The BBS9 c.271G>A variant is predicted to result in the amino acid substitution p.Glu91Lys. To our knowledge, this variant has not been reported in the literature. This variant is reported in 0.0033% of alleles in individuals of South Asian descent in gnomAD. At this time, the clinical significance of this variant is uncertain due to the absence of conclusive functional and genetic evidence.